The following is an entry in ClinVar:

NM_004519.4(KCNQ3):c.2157C>A (p.Asn719Lys)

Gene: KCNQ3 (potassium voltage-gated channel subfamily Q member 3; minus strand). Cytogenetic location: 8q24.22.
Variant type: single nucleotide variant.
Coding change: c.2157C>A on transcript NM_004519.4 (MANE Select); coding-DNA position 2157, C replaced by A.
Protein change: p.Asn719Lys; replaces asparagine 719 with lysine.
Molecular consequence: missense variant.
Genome position (GRCh38, 1-based): chr8:132,129,724, G>T on the plus strand (C>A on the coding strand, the complement: KCNQ3 is on the minus strand). VCF-style: chr8-132129724-G-T. GRCh37 (hg19) VCF-style: chr8-133141971-G-T.
Other names: c.1797C>A, p.Asn599Lys (NM_001204824.2); short protein forms N599K, N719K.
Identifiers: ClinVar variation 3666363 (VCV003666363.2).

ClinVar aggregate classification (germline): Uncertain significance (1 of 4 stars; one submission).

Conditions:
Benign neonatal seizures. Also called: Convulsions benign familial neonatal dominant form; Autosomal dominant form of benign neonatal seizures; Benign familial neonatal seizures; Benign familial neonatal epilepsy; Benign neonatal familial convulsions. Identifiers: Orphanet 1949, MedGen C0220669, MONDO:0016027.

gnomAD v4.1: 2 of 1,614,200 alleles (0.00012%); highest among the groups gnomAD compares: Non-Finnish European, 0.000085%; no homozygotes.

Submission:

Labcorp Genetics (formerly Invitae), Labcorp
Classification: Uncertain significance for Benign neonatal seizures. Last evaluated: 2024-02-19. Review status: criteria provided, single submitter. Criteria: Invitae Variant Classification Sherloc (09022015). Collection method: clinical testing. Allele origin: germline.
Comment: This sequence change replaces asparagine, which is neutral and polar, with lysine, which is basic and polar, at codon 719 of the KCNQ3 protein (p.Asn719Lys). This variant is not present in population databases (gnomAD no frequency). This variant has not been reported in the literature in individuals affected with KCNQ3-related conditions. Advanced modeling of protein sequence and biophysical properties (such as structural, functional, and spatial information, amino acid conservation, physicochemical variation, residue mobility, and thermodynamic stability) performed at Invitae indicates that this missense variant is not expected to disrupt KCNQ3 protein function with a negative predictive value of 95%. In summary, the available evidence is currently insufficient to determine the role of this variant in disease. Therefore, it has been classified as a Variant of Uncertain Significance.